The following is an entry in ClinVar:

NM_001042492.3(NF1):c.6548G>A (p.Arg2183Gln)

Gene: NF1 (neurofibromin 1; plus strand). Cytogenetic location: 17q11.2.
Variant type: single nucleotide variant.
Coding change: c.6548G>A on transcript NM_001042492.3 (MANE Select); coding-DNA position 6548, G replaced by A.
Protein change: p.Arg2183Gln; replaces arginine 2183 with glutamine.
Molecular consequence: missense variant.
Genome position (GRCh38, 1-based): chr17:31,337,488, G>A. VCF-style: chr17-31337488-G-A. GRCh37 (hg19) VCF-style: chr17-29664506-G-A.
Other names: c.6485G>A, p.Arg2162Gln (NM_000267.4); short protein forms R2162Q, R2183Q.
Identifiers: ClinVar variation 1008114 (VCV001008114.10), dbSNP rs2069706142, ClinGen allele CA399013254.

ClinVar aggregate classification (germline): Uncertain significance. Review status: criteria provided, multiple submitters, no conflicts (2 of 4 stars). 3 submissions from 3 submitters: Uncertain significance (3). Last evaluated 2025-07-16.

Conditions:
Cardiovascular phenotype. Identifiers: MedGen CN230736.
Hereditary cancer-predisposing syndrome. Also called: Hereditary Cancer Syndrome; Hereditary neoplastic syndrome; Tumor predisposition; Neoplastic Syndromes, Hereditary. Identifiers: Orphanet 140162, MedGen C0027672, MeSH D009386, MONDO:0015356.
Neurofibromatosis, type 1 (NF1). Also called: Neurofibromatosis, type I; Peripheral type neurofibromatosis; VON RECKLINGHAUSEN DISEASE; NEUROFIBROMATOSIS, TYPE I, SOMATIC. Identifiers: Orphanet 636, MedGen C0027831, MONDO:0018975, OMIM 162200. Disease mechanism: loss of function.

Submissions (3):

Ambry Genetics
Classification: Uncertain significance for Cardiovascular phenotype; Hereditary cancer-predisposing syndrome. Last evaluated: 2025-07-16. Review status: criteria provided, single submitter. Criteria: Ambry Variant Classification Scheme 2023. Collection method: clinical testing. Allele origin: germline.
Comment: The p.R2162Q variant (also known as c.6485G>A), located in coding exon 42 of the NF1 gene, results from a G to A substitution at nucleotide position 6485. The arginine at codon 2162 is replaced by glutamine, an amino acid with highly similar properties. This alteration has been described in an individual with neurofibromatosis type 1 (NF1) (Krkljus S et al. Hum. Mutat., 1998;11:411).This amino acid position is highly conserved in available vertebrate species. In addition, the in silico prediction for this alteration is inconclusive. Since supporting evidence is limited at this time, the clinical significance of this alteration remains unclear.

Labcorp Genetics (formerly Invitae), Labcorp
Classification: Uncertain significance for Neurofibromatosis, type 1. Last evaluated: 2024-11-18. Review status: criteria provided, single submitter. Criteria: Invitae Variant Classification Sherloc (09022015). Collection method: clinical testing. Allele origin: germline.
Comment: This sequence change replaces arginine, which is basic and polar, with glutamine, which is neutral and polar, at codon 2162 of the NF1 protein (p.Arg2162Gln). This variant is not present in population databases (gnomAD no frequency). This variant has not been reported in the literature in individuals affected with NF1-related conditions. ClinVar contains an entry for this variant (Variation ID: 1008114). Invitae Evidence Modeling of protein sequence and biophysical properties (such as structural, functional, and spatial information, amino acid conservation, physicochemical variation, residue mobility, and thermodynamic stability) has been performed for this missense variant. However, the output from this modeling did not meet the statistical confidence thresholds required to predict the impact of this variant on NF1 protein function. In summary, the available evidence is currently insufficient to determine the role of this variant in disease. Therefore, it has been classified as a Variant of Uncertain Significance.

Blueprint Genetics
Classification: Uncertain significance. Last evaluated: 2024-08-05. Review status: criteria provided, single submitter. Criteria: ACMG Guidelines, 2015. Collection method: clinical testing. Allele origin: germline.

Literature cited by the submitters: PubMed 10336779 (cited by Ambry Genetics).